The following is an entry in ClinVar:

NM_001127598.3(IGF2):c.124G>T (p.Glu42Ter)

Genes: IGF2 (insulin like growth factor 2; minus strand), INS-IGF2 (INS-IGF2 readthrough; minus strand). Cytogenetic location: 11p15.5.
Variant type: single nucleotide variant.
Coding change: c.124G>T on transcript NM_001127598.3; coding-DNA position 124, G replaced by T.
Protein change: p.Glu42Ter; replaces glutamic acid 42 with a stop codon.
Molecular consequence: nonsense. On other transcripts: intron variant (2).
Genome position (GRCh38, 1-based): chr11:2,140,173, C>A on the plus strand (G>T on the coding strand, the complement: IGF2 is on the minus strand). VCF-style: chr11-2140173-C-A. GRCh37 (hg19) VCF-style: chr11-2161403-C-A.
Other names: c.-6-4644G>T (NM_001007139.6); c.-7+684G>T (NM_001291862.3); short protein forms E42*.
Identifiers: ClinVar variation 4975490 (VCV004975490.1).

ClinVar aggregate classification (germline): Uncertain significance (1 of 4 stars; one submission).

Submission:

GeneDx
Classification: Uncertain significance. Last evaluated: 2026-02-07. Review status: criteria provided, single submitter. Criteria: GeneDx Variant Classification Process June 2021. Collection method: clinical testing. Allele origin: germline.
Comment: Not observed at significant frequency in large population cohorts (gnomAD); Nonsense variant predicted to result in protein truncation or nonsense mediated decay in a gene or region of a gene for which loss of function is not a well-established mechanism of disease; Has not been previously published as pathogenic or benign to our knowledge; Reported using an alternate transcript of the gene